The following is an entry in ClinVar:

NM_007294.4(BRCA1):c.5083T>A (p.Phe1695Ile)

Gene: BRCA1 (BRCA1 DNA repair associated; minus strand). Cytogenetic location: 17q21.31.
Variant type: single nucleotide variant.
Coding change: c.5083T>A on transcript NM_007294.4 (MANE Select); coding-DNA position 5083, T replaced by A.
Protein change: p.Phe1695Ile; replaces phenylalanine 1695 with isoleucine.
Molecular consequence: missense variant. On other transcripts: non-coding transcript variant (1).
Genome position (GRCh38, 1-based): chr17:43,063,943, A>T on the plus strand (T>A on the coding strand, the complement: BRCA1 is on the minus strand). VCF-style: chr17-43063943-A-T. GRCh37 (hg19) VCF-style: chr17-41215960-A-T.
Other names: c.4870T>A, p.Phe1624Ile (NM_001407571.1, NM_001407907.1, NM_001407908.1 and 12 more transcripts); c.5149T>A, p.Phe1717Ile (NM_001407581.1, NM_001407582.1); c.5146T>A, p.Phe1716Ile (NM_001407583.1, NM_001407585.1, NM_001407587.1 and 1 more transcripts); c.5143T>A, p.Phe1715Ile (NM_001407590.1, NM_001407591.1); c.5083T>A, p.Phe1695Ile (NM_001407593.1, NM_001407594.1, NM_001407596.1 and 7 more transcripts); c.5080T>A, p.Phe1694Ile (NM_001407610.1, NM_001407611.1, NM_001407612.1 and 17 more transcripts); c.5077T>A, p.Phe1693Ile (NM_001407631.1, NM_001407632.1, NM_001407633.1 and 14 more transcripts); c.5005T>A, p.Phe1669Ile (NM_001407654.1, NM_001407655.1, NM_001407653.1); and 71 more; short protein forms F1648I, F591I, F1695I, F1716I, F1541I, F1566I, F1584I, F1606I.
Identifiers: ClinVar variation 868623 (VCV000868623.3), dbSNP rs2051934276, ClinGen allele CA10591357.
Genomic context (GRCh38, chr17:43,063,943, plus strand): 5'-TAACTACCCATTTTCCTCCCGCAATTCCTAGAAAATATTTCAGTGTCCGTTCACACACAA[A>T]CTCAGCATCTGCAGAATGAAAAACACTCAAAGGATTAGAAGTTGAAAACAAAATCAGGAA-3'
Protein context (NP_009225.1, residues 1685-1705): THVVMKTDAE[Phe1695Ile]VCERTLKYFL

Conditions:
Breast-ovarian cancer, familial, susceptibility to, 1 (BROVCA1). Also called: BRCA1 Hereditary Breast and Ovarian Cancer; OVARIAN CANCER, SUSCEPTIBILITY TO. Identifiers: Orphanet 145, MedGen C2676676, MONDO:0011450, OMIM 604370. Disease mechanism: loss of function.

Submission:

Brotman Baty Institute, University of Washington
No classification provided (evidence only). Condition: Breast-ovarian cancer, familial 1. Review status: no classification provided. Collection method: in vitro. Allele origin: not applicable. Functional consequence: function_uncertain_variant.
ClinVar note: "not provided" was previously submitted as the classification for the variant. However, the classification appeared to be based only on an observation of functional data so it was converted to no classification on 2025-07-30.